The following continues an entry in ClinVar:

NM_000138.5(FBN1):c.2920C>T (p.Arg974Cys)

Gene: FBN1. ClinVar aggregate classification (germline): Pathogenic/Likely pathogenic. Pathogenic (10); Likely pathogenic (1).

Submissions 8 to 14 of 14:

ARUP Laboratories, Molecular Genetics and Genomics, ARUP Laboratories
Classification: Pathogenic. Last evaluated: 2020-02-25. Review status: criteria provided, single submitter. Criteria: ARUP Molecular Germline Variant Investigation Process. Collection method: clinical testing. Allele origin: germline.
Comment: The FBN1 c.2920C>T; p.Arg974Cys variant (rs397514558) is reported in the literature in several individuals affected with Marfan syndrome (Comeglio 2007, Stheneur 2009). This variant is also reported to segregate in all affected members of a large, multigenerational kindred affected with ectopia lentis (Yang 2012). This variant is absent from general population databases (Exome Variant Server, Genome Aggregation Database), indicating it is not a common polymorphism. The arginine at codon 974 is moderately conserved, it occurs in one of the TGF-beta binding (TB) domains (Yuan 1997), and computational analyses (SIFT, PolyPhen-2) predict that this variant is deleterious. TB domains contain eight conserved cysteine residues and the disulfide bridges formed between these residues are essential for protein folding; loss of one of these cysteines or creation of a new cysteine in this domain may interfere with proper disulfide bridge formation, disrupting protein structure (Yuan 1997). Accordingly, the revised Ghent nosology for Marfan syndrome lists missense variants creating or affecting cysteine residues as one of the criteria for classification of a variant as pathogenic (Loeys 2010). Based on available information, this variant is considered to be pathogenic. References: Comeglio P et al. The importance of mutation detection in Marfan syndrome and Marfan-related disorders: report of 193 FBN1 mutations. Hum Mutat. 2007 Sep;28(9):928. Loeys BL et al. The revised Ghent nosology for the Marfan syndrome. J Med Genet. 2010 47(7): 476-85. Stheneur C et al. Identification of the minimal combination of clinical features in probands for efficient mutation detection in the FBN1 gene. Eur J Hum Genet. 2009 Sep;17(9):1121-8. Yang G et al. A novel FBN1 mutation in a Chinese family with isolated ectopia lentis. Mol Vis. 2012;18:945-50. Yuan X et al. Solution structure of the transforming growth factor beta-binding protein-like module, a domain associated with matrix fibrils. EMBO J. 1997 Nov 17;16(22):6659-66.

Royal Brompton Clinical Genetics And Genomics Laboratory, NHS South East Genomic Laboratory Hub
Classification: Likely pathogenic for Marfan syndrome. Last evaluated: 2017-07-27. Review status: criteria provided, single submitter. Criteria: RBHT-CGGL ClinVar Assertion Criteria. Collection method: clinical testing. Allele origin: germline. Affected: yes. Observed: 1 variant allele.
Comment: The FBN1 c.2920C>T variant has previously been reported in 9 affected members of a 5 generation family with isolated ectopia lentis (Yang et al. Mol Vis. 2012;18:945-50) and a single patient with Marfan syndrome with major skeletal, ocular and cardiovascular manifestations (Comeglio et al. Hum Mutat. 2007 ;28(9):928). It has not been detected in approximately 120,000 individuals in control populations (gnomAD database). In silico tools predict the variant will adversely affect protein structure and function and it affects a highly conserved TGFB binding domain. This variant is therefore likely to be pathogenic, but may be associated with a variable phenotype. - Other Disease Reports - This variant has been linked to other diseases: Ectopia lentis (pubmed: 22539873) - Missense Effect Predictions - 87.5% (7/8) of algorithms have predicted that this variant will adversely affect protein function

Eurofins Ntd Llc (ga)
Classification: Pathogenic. Last evaluated: 2016-12-28. Review status: criteria provided, single submitter. Criteria: EGL Classification Definitions 2015. Collection method: clinical testing. Allele origin: germline. Observed: 1 variant allele, 1 heterozygote.

Center for Human Genetics, Inc
Classification: Pathogenic for Marfan syndrome. Last evaluated: 2016-11-01. Review status: criteria provided, single submitter. Criteria: ACMG Guidelines, 2015. Collection method: clinical testing. Allele origin: germline. Affected: yes.

Center for Medical Genetics Ghent, University of Ghent
Classification: Likely pathogenic for Marfan syndrome. Last evaluated: 2017-11-07. Review status: no assertion criteria provided. Collection method: clinical testing. Allele origin: germline. Affected: yes. Not counted in ClinVar's aggregate classification.

OMIM
Classification: Pathogenic for MARFAN SYNDROME. Last evaluated: 2012-01-01. Review status: no assertion criteria provided. Collection method: literature only. Allele origin: germline. Not counted in ClinVar's aggregate classification.

OMIM
Classification: Pathogenic for ECTOPIA LENTIS 1, ISOLATED, AUTOSOMAL DOMINANT. Last evaluated: 2012-01-01. Review status: no assertion criteria provided. Collection method: literature only. Allele origin: germline. Not counted in ClinVar's aggregate classification.

Literature cited by the submitters: PubMed 17627385 (cited by 5 submitters); PubMed 17657824 (cited by 6 submitters); PubMed 22539873 (cited by 6 submitters); PubMed 15161917 (cited by All of Us Research Program, National Institutes of Health and Color Diagnostics, LLC DBA Color Health); PubMed 16571647 (cited by All of Us Research Program, National Institutes of Health and Color Diagnostics, LLC DBA Color Health); PubMed 17701892 (cited by All of Us Research Program, National Institutes of Health and Color Diagnostics, LLC DBA Color Health); PubMed 25053872 (cited by 4 submitters); PubMed 28941062 (cited by 4 submitters); PubMed 34140103 (cited by 3 submitters); PubMed 34281902 (cited by 3 submitters); PubMed 19293843 (cited by Ambry Genetics); PubMed 31227806 (cited by Ambry Genetics).